The following is an entry in ClinVar:

NM_001035.3(RYR2):c.5965C>G (p.Pro1989Ala)

Gene: RYR2 (ryanodine receptor 2; plus strand). Cytogenetic location: 1q43.
Variant type: single nucleotide variant.
Coding change: c.5965C>G on transcript NM_001035.3 (MANE Select); coding-DNA position 5965, C replaced by G.
Protein change: p.Pro1989Ala; replaces proline 1989 with alanine.
Molecular consequence: missense variant.
Genome position (GRCh38, 1-based): chr1:237,623,813, C>G. VCF-style: chr1-237623813-C-G. GRCh37 (hg19) VCF-style: chr1-237787113-C-G.
Other names: short protein forms P1989A.
Identifiers: ClinVar variation 3073232 (VCV003073232.1), dbSNP rs2546859733, ClinGen allele CA345408189.

ClinVar aggregate classification (germline): Uncertain significance (1 of 4 stars; one submission).

Conditions:
Catecholaminergic polymorphic ventricular tachycardia (CVPT). Also called: Catecholamine-induced polymorphic ventricular tachycardia. Identifiers: Orphanet 3286, MedGen C5574922, MONDO:0017990.

Submission:

All of Us Research Program, National Institutes of Health
Classification: Uncertain significance for Catecholaminergic polymorphic ventricular tachycardia. Last evaluated: 2023-08-28. Review status: criteria provided, single submitter. Criteria: ACMG Guidelines, 2015. Collection method: clinical testing. Allele origin: germline. Inheritance: Autosomal dominant inheritance. Observed: 1 variant allele, 1 heterozygote.
Comment: This missense variant replaces proline with alanine at codon 1989 of the RYR2 protein. Computational prediction suggests that this variant may not impact protein structure and function (internally defined REVEL score threshold <= 0.5, PMID: 27666373). To our knowledge, functional studies have not been reported for this variant. This variant has not been reported in individuals affected with RYR2-related disorders in the literature. This variant has not been identified in the general population by the Genome Aggregation Database (gnomAD). The available evidence is insufficient to determine the role of this variant in disease conclusively. Therefore, this variant is classified as a Variant of Uncertain Significance.

This study involves interpretation of variants in research participants for the purpose of population health screening. Participant phenotype was not available at the time of variant classification. Additional details can be found in publication PMID: 35346344, PMCID: PMC8962531